The following is an entry in ClinVar:

ClinVar aggregate classification (germline): Uncertain significance (1 of 4 stars; one submission).

Allele frequency attached by ClinVar (database versions not stated): gnomAD exomes 0.00002 and 0.00004; gnomAD 0.00003 and 0.00004; TOPMed 0.00003; ExAC 0.00006.

Submission:

GeneDx
Classification: Uncertain significance. Last evaluated: 2021-03-18. Review status: criteria provided, single submitter. Criteria: GeneDx Variant Classification Process June 2021. Collection method: clinical testing. Allele origin: germline. Affected: yes.
Comment: In silico analysis supports that this missense variant has a deleterious effect on protein structure/function; Has not been previously published as pathogenic or benign to our knowledge

NM_147191.1(MMP21):c.736G>A (p.Gly246Arg)

Gene: MMP21 (matrix metallopeptidase 21; minus strand). Cytogenetic location: 10q26.2.
Variant type: single nucleotide variant.
Coding change: c.736G>A on transcript NM_147191.1 (MANE Select); coding-DNA position 736, G replaced by A.
Protein change: p.Gly246Arg; replaces glycine 246 with arginine.
Molecular consequence: missense variant.
Genome position (GRCh38, 1-based): chr10:125,772,712, C>T on the plus strand (G>A on the coding strand, the complement: MMP21 is on the minus strand). VCF-style: chr10-125772712-C-T. GRCh37 (hg19) VCF-style: chr10-127461281-C-T.
Other names: short protein forms G246R.
Identifiers: ClinVar variation 1187167 (VCV001187167.2), dbSNP rs746583239, ClinGen allele CA5738122.